The following is an entry in ClinVar:

NM_018089.3(ANKZF1):c.1801C>T (p.Gln601Ter)

Gene: ANKZF1 (ankyrin repeat and zinc finger peptidyl tRNA hydrolase 1; plus strand). Cytogenetic location: 2q35.
Variant type: single nucleotide variant.
Coding change: c.1801C>T on transcript NM_018089.3 (MANE Select); coding-DNA position 1801, C replaced by T.
Protein change: p.Gln601Ter; replaces glutamine 601 with a stop codon.
Molecular consequence: nonsense.
Genome position (GRCh38, 1-based): chr2:219,235,583, C>T. VCF-style: chr2-219235583-C-T. GRCh37 (hg19) VCF-style: chr2-220100305-C-T.
Other names: c.1801C>T, p.Gln601Ter (NM_001042410.2); c.1171C>T, p.Gln391Ter (NM_001282792.2); short protein forms Q391*, Q601*.
Identifiers: ClinVar variation 1352918 (VCV001352918.6), dbSNP rs746856166, ClinGen allele CA2121171.

ClinVar aggregate classification (germline): Uncertain significance (1 of 4 stars; one submission).

Allele frequency attached by ClinVar (database versions not stated): gnomAD exomes below 0.00001 and 0.00001; gnomAD 0.00001; ExAC 0.00002; TOPMed 0.00003.
gnomAD v4.1: 19 of 1,613,794 alleles (0.0012%); highest among the groups gnomAD compares: East Asian, 0.0089%; no homozygotes.

Submission:

Labcorp Genetics (formerly Invitae), Labcorp
Classification: Uncertain significance. Last evaluated: 2025-06-04. Review status: criteria provided, single submitter. Criteria: Invitae Variant Classification Sherloc (09022015). Collection method: clinical testing. Allele origin: germline.
Comment: This sequence change creates a premature translational stop signal (p.Gln601*) in the ANKZF1 gene. It is expected to result in an absent or disrupted protein product. However, the current clinical and genetic evidence is not sufficient to establish whether loss-of-function variants in ANKZF1 cause disease. This variant is present in population databases (rs746856166, gnomAD 0.01%). This variant has not been reported in the literature in individuals affected with ANKZF1-related conditions. ClinVar contains an entry for this variant (Variation ID: 1352918). Algorithms developed to predict the effect of sequence changes on RNA splicing suggest that this variant may disrupt the consensus splice site. In summary, the available evidence is currently insufficient to determine the role of this variant in disease. Therefore, it has been classified as a Variant of Uncertain Significance.